The following is an entry in ClinVar:

ClinVar aggregate classification (germline): Uncertain significance (1 of 4 stars; one submission).

Conditions:
Long QT syndrome (LQTS). Identifiers: MedGen C0023976, MeSH D008133, MONDO:0002442. Disease mechanism: loss of function. Inheritance: Various modes of inheritance.

gnomAD v4.1: 2 of 1,613,978 alleles (0.00012%); highest among the groups gnomAD compares: Non-Finnish European, 0.000085%; no homozygotes.

Submission:

Labcorp Genetics (formerly Invitae), Labcorp
Classification: Uncertain significance for Long QT syndrome. Last evaluated: 2024-10-15. Review status: criteria provided, single submitter. Criteria: Invitae Variant Classification Sherloc (09022015). Collection method: clinical testing. Allele origin: germline.
Comment: This sequence change replaces glutamic acid, which is acidic and polar, with lysine, which is basic and polar, at codon 2644 of the ANK2 protein (p.Glu2644Lys). This variant is present in population databases (rs370708144, gnomAD 0.0008%). This variant has not been reported in the literature in individuals affected with ANK2-related conditions. An algorithm developed to predict the effect of missense changes on protein structure and function (PolyPhen-2) suggests that this variant is likely to be tolerated. In summary, the available evidence is currently insufficient to determine the role of this variant in disease. Therefore, it has been classified as a Variant of Uncertain Significance.

NM_001148.6(ANK2):c.7930G>A (p.Glu2644Lys)

Genes: ANK2 (ankyrin 2; plus strand), LOC126807137 (CDK7 strongly-dependent group 2 enhancer GRCh37_chr4:114276560-114277759; plus strand). Cytogenetic location: 4q26.
Variant type: single nucleotide variant.
Coding change: c.7930G>A on transcript NM_001148.6 (MANE Select); coding-DNA position 7930, G replaced by A.
Protein change: p.Glu2644Lys; replaces glutamic acid 2644 with lysine.
Molecular consequence: missense variant. On other transcripts: intron variant (68).
Genome position (GRCh38, 1-based): chr4:113,356,548, G>A. VCF-style: chr4-113356548-G-A. GRCh37 (hg19) VCF-style: chr4-114277704-G-A.
Other names: c.4400-4275G>A (NM_001127493.3); c.4364-4275G>A (NM_001386143.1, NM_001354243.2, NM_001354255.2); c.4265-4275G>A (NM_001354262.2, NM_001354275.2, NM_001354245.2); c.4202-4275G>A (NM_001354253.2, NM_001354270.2); c.4166-4275G>A (NM_001354257.2, NM_001386156.1); c.4241-4275G>A (NM_001354249.2, NM_001354266.2, NM_001354276.2 and 2 more transcripts); c.4208-4275G>A (NM_001386146.1, NM_001386150.1, NM_001386149.1 and 1 more transcripts); c.4193-4275G>A (NM_001354274.2, NM_001386154.1); and 35 more; short protein forms E1444K, E2644K, E2566K, E2683K, E2691K.
Identifiers: ClinVar variation 3693099 (VCV003693099.2).